The following is an entry in ClinVar:

NM_006517.5(SLC16A2):c.892A>G (p.Thr298Ala)

Gene: SLC16A2 (solute carrier family 16 member 2; plus strand). Cytogenetic location: Xq13.2.
Variant type: single nucleotide variant.
Coding change: c.892A>G on transcript NM_006517.5 (MANE Select); coding-DNA position 892, A replaced by G.
Protein change: p.Thr298Ala; replaces threonine 298 with alanine.
Molecular consequence: missense variant.
Genome position (GRCh38, 1-based): chrX:74,524,675, A>G. VCF-style: chrX-74524675-A-G. GRCh37 (hg19) VCF-style: chrX-73744510-A-G.
Other names: short protein forms T298A.
Identifiers: ClinVar variation 2092436 (VCV002092436.4), dbSNP rs2519806756, ClinGen allele CA413657510.

ClinVar aggregate classification (germline): Uncertain significance (1 of 4 stars; one submission).

Conditions:
Spastic paraplegia. Identifiers: MedGen C0037772, HP:0001258.

Submission:

Labcorp Genetics (formerly Invitae), Labcorp
Classification: Uncertain significance for Spastic paraplegia. Last evaluated: 2022-09-12. Review status: criteria provided, single submitter. Criteria: Invitae Variant Classification Sherloc (09022015). Collection method: clinical testing. Allele origin: germline.
Comment: In summary, the available evidence is currently insufficient to determine the role of this variant in disease. Therefore, it has been classified as a Variant of Uncertain Significance. Algorithms developed to predict the effect of missense changes on protein structure and function (SIFT, PolyPhen-2, Align-GVGD) all suggest that this variant is likely to be tolerated. This variant has not been reported in the literature in individuals affected with SLC16A2-related conditions. This variant is not present in population databases (gnomAD no frequency). This sequence change replaces threonine, which is neutral and polar, with alanine, which is neutral and non-polar, at codon 298 of the SLC16A2 protein (p.Thr298Ala).